The following is an entry in ClinVar:

NM_001363711.2(DUOX2):c.2831G>A (p.Gly944Asp)

Gene: DUOX2 (dual oxidase 2; minus strand). Cytogenetic location: 15q21.1.
Variant type: single nucleotide variant.
Coding change: c.2831G>A on transcript NM_001363711.2 (MANE Select); coding-DNA position 2831, G replaced by A.
Protein change: p.Gly944Asp; replaces glycine 944 with aspartic acid.
Molecular consequence: missense variant.
Genome position (GRCh38, 1-based): chr15:45,101,813, C>T on the plus strand (G>A on the coding strand, the complement: DUOX2 is on the minus strand). VCF-style: chr15-45101813-C-T. GRCh37 (hg19) VCF-style: chr15-45394011-C-T.
Other names: c.2831G>A, p.Gly944Asp (NM_014080.5); short protein forms G944D.
Identifiers: ClinVar variation 4781417 (VCV004781417.1).

ClinVar aggregate classification (germline): Uncertain significance (1 of 4 stars; one submission).

Submission:

Labcorp Genetics (formerly Invitae), Labcorp
Classification: Uncertain significance. Last evaluated: 2025-07-13. Review status: criteria provided, single submitter. Criteria: Invitae Variant Classification Sherloc (09022015). Collection method: clinical testing. Allele origin: germline.
Comment: This sequence change replaces glycine, which is neutral and non-polar, with aspartic acid, which is acidic and polar, at codon 944 of the DUOX2 protein (p.Gly944Asp). This variant is not present in population databases (gnomAD no frequency). This variant has not been reported in the literature in individuals affected with DUOX2-related conditions. Invitae Evidence Modeling of protein sequence and biophysical properties (such as structural, functional, and spatial information, amino acid conservation, physicochemical variation, residue mobility, and thermodynamic stability) indicates that this missense variant is not expected to disrupt DUOX2 protein function with a negative predictive value of 95%. In summary, the available evidence is currently insufficient to determine the role of this variant in disease. Therefore, it has been classified as a Variant of Uncertain Significance.